The following is an entry in ClinVar:

ClinVar aggregate classification (germline): Uncertain significance (1 of 4 stars; one submission).

Submission:

CeGaT Center for Human Genetics Tuebingen
Classification: Uncertain significance. Last evaluated: 2022-12-01. Review status: criteria provided, single submitter. Criteria: CeGaT Center For Human Genetics Tuebingen Variant Classification Criteria Version 2. Collection method: clinical testing. Allele origin: germline. Affected: yes. Observed: 1 variant allele.
Comment: LDB3: PM2, BP4

NM_007078.3(LDB3):c.784G>C (p.Glu262Gln)

Gene: LDB3 (LIM domain binding 3; plus strand). Cytogenetic location: 10q23.2.
Variant type: single nucleotide variant.
Coding change: c.784G>C on transcript NM_007078.3 (MANE Select); coding-DNA position 784, G replaced by C.
Protein change: p.Glu262Gln; replaces glutamic acid 262 with glutamine.
Molecular consequence: missense variant.
Genome position (GRCh38, 1-based): chr10:86,691,990, G>C. VCF-style: chr10-86691990-G-C. GRCh37 (hg19) VCF-style: chr10-88451747-G-C.
Other names: c.643G>C, p.Glu215Gln (NM_001080114.2, NM_001080116.1, NM_001368066.1 and 2 more transcripts); c.784G>C, p.Glu262Gln (NM_001080115.2, NM_001368063.1, NM_001368064.1 and 1 more transcripts); c.988G>C, p.Glu330Gln (NM_001171610.2, NM_001171611.2); short protein forms E215Q, E262Q, E330Q.
Identifiers: ClinVar variation 2640654 (VCV002640654.24), dbSNP rs374168618, ClinGen allele CA377443175.